The following is an entry in ClinVar:

ClinVar aggregate classification (germline): Uncertain significance (1 of 4 stars; one submission).

Submission:

GeneDx
Classification: Uncertain significance. Last evaluated: 2023-03-30. Review status: criteria provided, single submitter. Criteria: GeneDx Variant Classification Process June 2021. Collection method: clinical testing. Allele origin: germline. Affected: yes.
Comment: Not observed at significant frequency in large population cohorts (gnomAD); In silico analysis supports that this missense variant has a deleterious effect on protein structure/function; Has not been previously published as pathogenic or benign to our knowledge

NM_002069.6(GNAI1):c.133G>T (p.Gly45Cys)

Gene: GNAI1 (G protein subunit alpha i1; plus strand). Cytogenetic location: 7q21.11.
Variant type: single nucleotide variant.
Coding change: c.133G>T on transcript NM_002069.6 (MANE Select); coding-DNA position 133, G replaced by T.
Protein change: p.Gly45Cys; replaces glycine 45 with cysteine.
Molecular consequence: missense variant. On other transcripts: 5 prime UTR variant (1).
Genome position (GRCh38, 1-based): chr7:80,188,965, G>T. VCF-style: chr7-80188965-G-T. GRCh37 (hg19) VCF-style: chr7-79818281-G-T.
Other names: c.-24G>T (NM_001256414.2); short protein forms G45C.
Identifiers: ClinVar variation 2582165 (VCV002582165.1), dbSNP rs2484410037, ClinGen allele CA368011455.